The following is an entry in ClinVar:

ClinVar aggregate classification (germline): Pathogenic/Likely pathogenic. Review status: criteria provided, multiple submitters, no conflicts (2 of 4 stars). 12 submissions from 12 submitters: Pathogenic (8); Likely pathogenic (3). 1 of the submissions does not count toward it. Last evaluated 2025-12-19.

Conditions:
SGSH-related disorder. Also called: SGSH-related condition.
Mucopolysaccharidosis, MPS-III-A (MPS3A). Also called: mucopolysaccharidosis type 3A; MPS IIIA (Sanfilippo Syndrome Type A); SANFILIPPO SYNDROME A; SULFAMIDASE DEFICIENCY; HEPARAN SULFATE SULFATASE DEFICIENCY; Mucopolysaccharidosis, type IIIA. Identifiers: Orphanet 581, Orphanet 79269, MedGen C0086647, MONDO:0009655, OMIM 252900.

Allele frequency attached by ClinVar (database versions not stated): ExAC 0.00001; gnomAD exomes 0.00002; gnomAD 0.00004 and 0.00005; TOPMed 0.00008.
gnomAD v4.1: 25 of 1,608,590 alleles (0.0016%); highest among the groups gnomAD compares: East Asian, 0.011%; no homozygotes.

Submissions (12):

3billion
Classification: Pathogenic for Mucopolysaccharidosis, MPS-III-A. Last evaluated: 2025-12-19. Review status: criteria provided, single submitter. Criteria: ACMG Guidelines, 2015. Collection method: clinical testing. Allele origin: germline. Affected: yes.
Comment: The variant is observed at an extremely low frequency in the gnomAD v4.1.0 dataset (total allele frequency: 0.002%). Predicted Consequence/Location: Missense variant Functional studies provide supporting evidence of the variant having a damaging effect on the gene or gene product (PMID: 12000360). In silico tool predictions suggest damaging effect of the variant on gene or gene product [REVEL: 0.83 (>=0.6, sensitivity 0.68 and specificity 0.92); 3Cnet: 0.39 (> 0.75, sensitivity 0.96 and precision 0.92)]. The same nucleotide change resulting in the same amino acid change has been previously reported as pathogenic/likely pathogenic with strong evidence (ClinVar ID: VCV000553004 /PMID: 11182930 /3billion dataset). Different missense changes at the same codon (p.Asp235His, p.Asp235Tyr, p.Asp235Val) have been reported as pathogenic/likely pathogenic with strong evidence (ClinVar ID: VCV002778794, VCV002817814 /PMID: 9401012). Therefore, this variant is classified as Pathogenic according to the recommendation of ACMG/AMP guideline.

Labcorp Genetics (formerly Invitae), Labcorp
Classification: Pathogenic for Mucopolysaccharidosis, MPS-III-A. Last evaluated: 2025-12-02. Review status: criteria provided, single submitter. Criteria: Invitae Variant Classification Sherloc (09022015). Collection method: clinical testing. Allele origin: germline.
Comment: This sequence change replaces aspartic acid, which is acidic and polar, with asparagine, which is neutral and polar, at codon 235 of the SGSH protein (p.Asp235Asn). This variant is present in population databases (rs753472891, gnomAD 0.02%). This missense change has been observed in individual(s) with mucopolysaccharidosis type III (PMID: 11182930, 12000360, 19099774; internal data). ClinVar contains an entry for this variant (Variation ID: 553004). Invitae Evidence Modeling of protein sequence and biophysical properties (such as structural, functional, and spatial information, amino acid conservation, physicochemical variation, residue mobility, and thermodynamic stability) indicates that this missense variant is expected to disrupt SGSH protein function with a positive predictive value of 95%. Experimental studies have shown that this missense change affects SGSH function (PMID: 12000360). This variant disrupts the p.Asp235 amino acid residue in SGSH. Other variant(s) that disrupt this residue have been observed in individuals with SGSH-related conditions (PMID: 9401012), which suggests that this may be a clinically significant amino acid residue. For these reasons, this variant has been classified as Pathogenic.

Natera, Inc.
Classification: Pathogenic for Mucopolysaccharidosis type IIIA. Last evaluated: 2025-10-09. Review status: criteria provided, single submitter. Criteria: Natera Variant Classification Schema (03/2026). Collection method: clinical testing. Allele origin: germline.
Comment: The c.703G>A variant in SGSH is a missense variant predicted to cause substitution of aspartic acid to asparagine at amino acid 235. This variant is rare in the general population with a frequency below the threshold expected for the associated phenotype(s). This variant has been observed in one or more individuals affected with the associated recessive disease, as either homozygous or compound heterozygous with a second variant (PMID: 37787787, 36972941, 11182930, 21204211, 35629088). Functional studies show that this variant may disrupt protein function (PMID: 12000360). Computational prediction algorithms indicate this variant is likely to affect gene or protein function. Given the available evidence, this variant is classified as Pathogenic.

PreventionGenetics, part of Exact Sciences
Classification: Pathogenic for SGSH-related condition. Last evaluated: 2025-04-08. Review status: criteria provided, single submitter. Criteria: ACMG Guidelines, 2015. Collection method: clinical testing. Allele origin: germline.
Comment: The SGSH c.703G>A variant is predicted to result in the amino acid substitution p.Asp235Asn. This variant along with a second variant in SGSH was reported in multiple individuals with Sanfilippo syndrome IIIA  (also known as Sanfilippo A)  (Beesley et al. 2000. PubMed ID: 11182930; Zhang et al. 2008. PubMed ID: 19099774; Lee-Chen et al. 2002. PubMed ID: 12000360; Table S2, Héron et al. 2011. PubMed ID: 21204211; Delgadillo et al. 2013. PubMed ID: 24314109). In addition, a different variant affecting the same amino acid (p.Asp235Val) was reported to be pathogenic for Sanfilippo syndrome A (Bunge et al. 1997. PubMed ID: 9401012). Structure and computational predication studies suggest this variant disrupts enzyme activity (Sidhu et al. 2014. PubMed ID: 24816101; Ugrinov et al. 2015. PubMed ID: 25807448). This variant is reported in 0.015% of alleles in individuals of East Asian descent in gnomAD. This variant is interpreted as pathogenic.

GeneDx
Classification: Pathogenic. Last evaluated: 2024-12-19. Review status: criteria provided, single submitter. Criteria: GeneDx Variant Classification Process June 2021. Collection method: clinical testing. Allele origin: germline.
Comment: Published functional studies demonstrate that this variant is associated with significantly reduced protein expression and enzyme activity (PMID: 12000360); In silico analysis supports that this missense variant has a deleterious effect on protein structure/function; This variant is associated with the following publications: (PMID: 9401012, 31589614, 25807448, 24816101, 11182930, 12000360, 36972941, 19099774, 21204211, 24314109, 35629088)

Foundation for Research in Genetics and Endocrinology, FRIGE's Institute of Human Genetics
Classification: Pathogenic for Mucopolysaccharidosis, MPS-III-A. Last evaluated: 2024-10-21. Review status: criteria provided, single submitter. Criteria: ACMG Guidelines, 2015. Collection method: clinical testing. Allele origin: germline. Inheritance: Autosomal recessive inheritance. Affected: yes. Observed: 1 homozygote.
Comment: A homozygous variation in exon 6 of the SGSH gene that results in the amino acid substitution of Asparagine for Aspartic acid at codon 235 was detected. The observed variant c.703G>A (p.Asp235Asn) has not been reported in the 1000 genomes and has a MAF of 0.0017% in the gnomAD database. The in-silico prediction of the variant is disease causing by Mutation Taster, PolyPhen2, DANN and Polyphen2. In summary, the variant meets our criteria to be classified as pathogenic.

Fulgent Genetics
Classification: Likely pathogenic for Mucopolysaccharidosis, MPS-III-A. Last evaluated: 2024-05-14. Review status: criteria provided, single submitter. Criteria: ACMG Guidelines, 2015. Collection method: clinical testing. Allele origin: germline.

Blueprint Genetics
Classification: Pathogenic for SGSH-related disorders. Last evaluated: 2022-10-24. Review status: criteria provided, single submitter. Criteria: ACMG Guidelines, 2015. Collection method: clinical testing. Allele origin: germline. Affected: yes. Observed: 2 variant alleles.

Women's Health and Genetics/Laboratory Corporation of America, LabCorp
Classification: Pathogenic for Mucopolysaccharidosis, MPS-III-A. Last evaluated: 2022-05-11. Review status: criteria provided, single submitter. Criteria: LabCorp Variant Classification Summary - May 2015. Collection method: clinical testing. Allele origin: germline.
Comment: Variant summary: SGSH c.703G>A (p.Asp235Asn) results in a conservative amino acid change located in the Sulfatase, N-terminal domain (IPR000917) of the encoded protein sequence. Four of five in-silico tools predict a damaging effect of the variant on protein function. The variant allele was found at a frequency of 1.7e-05 in 237402 control chromosomes (gnomAD). c.703G>A has been reported in the literature in compound heterozygous individuals affected with Mucopolysaccharidosis Type IIIA (Sanfilippo Syndrome A) (Beesley_2000, Lee-Chen_2002, Heron_2011). These data indicate that the variant is likely to be associated with disease. A different variant affecting the same codon (Asp235Val) has been reported in affected individuals, suggesting this may be an important residue (Beesley_2000). One publication reports that the variant protein has 1.7% N-Sulphatase activity (Lee-Chen_2002). Three ClinVar submitters have assessed the variant since 2014: two classify the variant as likely pathogenic and one as pathogenic. Based on the evidence outlined above, the variant was classified as pathogenic.

Genome-Nilou Lab
Classification: Likely pathogenic for Mucopolysaccharidosis, MPS-III-A. Last evaluated: 2021-11-07. Review status: criteria provided, single submitter. Criteria: ACMG Guidelines, 2015. Collection method: clinical testing. Allele origin: germline. Affected: no.

Juno Genomics, Hangzhou Juno Genomics, Inc
Classification: Likely pathogenic for Mucopolysaccharidosis, MPS-III-A. Review status: criteria provided, single submitter. Criteria: ACMG Guidelines, 2015. Collection method: clinical testing. Allele origin: germline.
Comment: Absent from controls (or at extremely low frequency if recessive) in Genome Aggregation Database.;For recessive disorders, detected in trans with a pathogenic variant.;Well-established in vitro or in vivo functional studies supportive of a damaging effect on the gene or gene product.

Counsyl
Classification: Likely pathogenic for Mucopolysaccharidosis, MPS-III-A. Last evaluated: 2017-07-27. Review status: no assertion criteria provided. Collection method: clinical testing. Allele origin: unknown. Not counted in ClinVar's aggregate classification.

Literature cited by the submitters: PubMed 12000360 (cited by 5 submitters); PubMed 11182930 (cited by 5 submitters); PubMed 9401012 (cited by 3billion and Labcorp Genetics (formerly Invitae), Labcorp); PubMed 19099774 (cited by Labcorp Genetics (formerly Invitae), Labcorp); PubMed 37787787 (cited by Natera, Inc.); PubMed 36972941 (cited by Natera, Inc.); PubMed 21204211 (cited by 3 submitters); PubMed 35629088 (cited by Natera, Inc.); PubMed 24314109 (cited by Counsyl).

NM_000199.5(SGSH):c.703G>A (p.Asp235Asn)

Gene: SGSH (N-sulfoglucosamine sulfohydrolase; minus strand). Cytogenetic location: 17q25.3.
Variant type: single nucleotide variant.
Coding change: c.703G>A on transcript NM_000199.5 (MANE Select); coding-DNA position 703, G replaced by A.
Protein change: p.Asp235Asn; replaces aspartic acid 235 with asparagine.
Molecular consequence: missense variant. On other transcripts: non-coding transcript variant (1).
Genome position (GRCh38, 1-based): chr17:80,213,846, C>T on the plus strand (G>A on the coding strand, the complement: SGSH is on the minus strand). VCF-style: chr17-80213846-C-T. GRCh37 (hg19) VCF-style: chr17-78187645-C-T.
Other names: p.Asp235Asn; c.703G>A, p.Asp235Asn (NM_001352921.3, NM_001352922.2); c.703G>A (NM_000199.4); short protein forms D235N.
Identifiers: ClinVar variation 553004 (VCV000553004.28), dbSNP rs753472891, ClinGen allele CA8817831.